The following is an entry in ClinVar:

ClinVar aggregate classification (germline): Benign (1 of 4 stars; one submission).

Allele frequency attached by ClinVar (database versions not stated): gnomAD 0.08694 and 0.09139; TOPMed 0.09764; 1000 Genomes Project 30x 0.12008; 1000 Genomes Project 0.12021.
gnomAD v4.1: 13,108 of 152,206 alleles (8.6%); highest among the groups gnomAD compares: African/African-American, 29%; 1,755 homozygotes.

Submission:

GeneDx
Classification: Benign. Last evaluated: 2018-06-14. Review status: criteria provided, single submitter. Criteria: GeneDx Variant Classification (06012015). Collection method: clinical testing. Allele origin: germline. Affected: yes.
Comment: This variant is considered likely benign or benign based on one or more of the following criteria: it is a conservative change, it occurs at a poorly conserved position in the protein, it is predicted to be benign by multiple in silico algorithms, and/or has population frequency not consistent with disease.

NM_006073.4(TRDN):c.1274-290A>C

Gene: TRDN (triadin; minus strand). Cytogenetic location: 6q22.31.
Variant type: single nucleotide variant.
Coding change: c.1274-290A>C on transcript NM_006073.4 (MANE Select); 290 bases into the intron before coding-DNA position 1274, A replaced by C.
Molecular consequence: intron variant.
Genome position (GRCh38, 1-based): chr6:123,366,472, T>G on the plus strand (A>C on the coding strand, the complement: TRDN is on the minus strand). VCF-style: chr6-123366472-T-G. GRCh37 (hg19) VCF-style: chr6-123687617-T-G.
Other names: c.1277-290A>C (NM_001251987.2).
Identifiers: ClinVar variation 680978 (VCV000680978.1), dbSNP rs11967561, ClinGen allele CA147256209.